The following is an entry in ClinVar:

ClinVar aggregate classification (germline): Uncertain significance (1 of 4 stars; one submission).

Conditions:
Hereditary cancer-predisposing syndrome. Also called: Tumor predisposition; Neoplastic Syndromes, Hereditary; Hereditary Cancer Syndrome; Hereditary neoplastic syndrome. Identifiers: Orphanet 140162, MedGen C0027672, MeSH D009386, MONDO:0015356.

Submission:

Ambry Genetics
Classification: Uncertain significance for Hereditary cancer-predisposing syndrome. Last evaluated: 2023-09-08. Review status: criteria provided, single submitter. Criteria: Ambry Variant Classification Scheme 2023. Collection method: clinical testing. Allele origin: germline.
Comment: The c.392_393delGCinsTT variant, located in coding exon 2 of the CDKN2A gene, results from an in-frame deletion of GC and insertion of TT at nucleotide positions 392 to 393. This results in the substitution of the arginine residue for a leucine residue at codon 131, an amino acid with dissimilar properties. This amino acid position is well conserved in available vertebrate species. In addition, the in silico prediction for this alteration is inconclusive (Choi Y et al. PLoS ONE. 2012; 7(10):e46688). Since supporting evidence is limited at this time, the clinical significance of this alteration remains unclear.

NM_000077.5(CDKN2A):c.392_393delinsTT (p.Arg131Leu)

Gene: CDKN2A (cyclin dependent kinase inhibitor 2A; minus strand). Cytogenetic location: 9p21.3.
Variant type: Indel.
Coding change: c.392_393delinsTT on transcript NM_000077.5; coding-DNA positions 392 to 393, GC replaced by TT.
Protein change: p.Arg131Leu; replaces arginine 131 with leucine.
Molecular consequence: missense variant (on NM_000077.6). On other transcripts: 3 prime UTR variant (2).
Genome position (GRCh38, 1-based): chr9:21,970,966-21,970,967, GC replaced by AA on the plus strand (GC replaced by TT on the coding strand, the reverse complement: CDKN2A is on the minus strand). VCF-style: chr9-21970966-GC-AA. GRCh37 (hg19) VCF-style: chr9-21970965-GC-AA.
Other names: c.392_393delGCinsTT, p.Arg131Leu (NM_000077.6); c.392_393delinsTT, p.Arg131Leu (NM_001195132.2); c.239_240delinsTT, p.Arg80Leu (NM_001363763.2); c.*36_*37delinsTT (NM_058195.4); c.*315_*316delinsTT (NM_058197.5); short protein forms R131L, R80L.
Identifiers: ClinVar variation 2625894 (VCV002625894.2), dbSNP rs2489273524, ClinGen allele CA2582341983.
Genomic context (GRCh38, chr9:21,970,966, plus strand): 5'-GGGACCTTCCGCGGCATCTATGCGGGCATGGTTACTGCCTCTGGTGCCCCCCGCAGCCGC[GC>AA]GCAGGTACCGTGCGACATCGCGATGGCCCAGCTCCTCAGCCAGGTCCACGGGCAGACGGC-3'
Protein context (NP_000068.1, residues 121-141): LGHRDVARYL[Arg131Leu]AAAGGTRGSN